The following is an entry in ClinVar:

ClinVar aggregate classification (germline): Uncertain significance (1 of 4 stars; one submission).

Allele frequency attached by ClinVar (database versions not stated): gnomAD exomes below 0.00001.

Submission:

Labcorp Genetics (formerly Invitae), Labcorp
Classification: Uncertain significance. Last evaluated: 2021-08-28. Review status: criteria provided, single submitter. Criteria: Invitae Variant Classification Sherloc (09022015). Collection method: clinical testing. Allele origin: germline.
Comment: This sequence change replaces leucine with proline at codon 344 of the OCA2 protein (p.Leu344Pro). The leucine residue is highly conserved and there is a moderate physicochemical difference between leucine and proline. This variant is not present in population databases (ExAC no frequency). This variant has not been reported in the literature in individuals affected with OCA2-related conditions. Advanced modeling of protein sequence and biophysical properties (such as structural, functional, and spatial information, amino acid conservation, physicochemical variation, residue mobility, and thermodynamic stability) performed at Invitae indicates that this missense variant is expected to disrupt OCA2 protein function. In summary, the available evidence is currently insufficient to determine the role of this variant in disease. Therefore, it has been classified as a Variant of Uncertain Significance.

NM_000275.3(OCA2):c.1031T>C (p.Leu344Pro)

Gene: OCA2 (OCA2 melanosomal transmembrane protein; minus strand). Cytogenetic location: 15q13.1.
Variant type: single nucleotide variant.
Coding change: c.1031T>C on transcript NM_000275.3 (MANE Select); coding-DNA position 1031, T replaced by C.
Protein change: p.Leu344Pro; replaces leucine 344 with proline.
Molecular consequence: missense variant.
Genome position (GRCh38, 1-based): chr15:28,014,789, A>G on the plus strand (T>C on the coding strand, the complement: OCA2 is on the minus strand). VCF-style: chr15-28014789-A-G. GRCh37 (hg19) VCF-style: chr15-28259935-A-G.
Other names: c.1031T>C, p.Leu344Pro (NM_001300984.2); short protein forms L344P.
Identifiers: ClinVar variation 1501905 (VCV001501905.3), dbSNP rs1384647542, ClinGen allele CA391364840.
Genomic context (GRCh38, chr15:28,014,789, plus strand): 5'-CCTGACTGTGGGCCCAGACAGATCGGGGGAGCAGGTGTGAAAGTTACCTCAAATATGATC[A>G]GCGCGTAGACGCCCGCGAGGATGGCCGTCGCGATGGTCACCTGGGTTTCTACACTTCCGC-3'
Protein context (NP_000266.2, residues 334-354): ATAILAGVYA[Leu344Pro]IIFEIVHRTL